The following is an entry in ClinVar:

NM_000059.4(BRCA2):c.9238T>C (p.Ser3080Pro)

Gene: BRCA2 (BRCA2 DNA repair associated; plus strand). Cytogenetic location: 13q13.1.
Variant type: single nucleotide variant.
Coding change: c.9238T>C on transcript NM_000059.4 (MANE Select); coding-DNA position 9238, T replaced by C.
Protein change: p.Ser3080Pro; replaces serine 3080 with proline.
Molecular consequence: missense variant. On other transcripts: non-coding transcript variant (1).
Genome position (GRCh38, 1-based): chr13:32,380,127, T>C. VCF-style: chr13-32380127-T-C. GRCh37 (hg19) VCF-style: chr13-32954264-T-C.
Other names: c.9142T>C, p.Ser3048Pro (NM_001406719.1); c.9187T>C, p.Ser3063Pro (NM_001406720.1); c.4306T>C, p.Ser1436Pro (NM_001406721.1); c.2821T>C, p.Ser941Pro (NM_001406722.1); short protein forms S3048P, S3080P, S3063P, S941P, S1436P.
Identifiers: ClinVar variation 2772207 (VCV002772207.4), dbSNP rs2137625736, ClinGen allele CA387758596.
Genomic context (GRCh38, chr13:32,380,127, plus strand): 5'-TTTTTAGATCCAGACTTTCAGCCATCTTGTTCTGAGGTGGACCTAATAGGATTTGTCGTT[T>C]CTGTTGTGAAAAAAACAGGTAATGCACAATATAGTTAATTTTTTTTATTGATTCTTTTAA-3'
Protein context (NP_000050.3, residues 3070-3090): SEVDLIGFVV[Ser3080Pro]VVKKTGLAPF

ClinVar aggregate classification (germline): Uncertain significance. Review status: criteria provided, multiple submitters, no conflicts (2 of 4 stars). 2 submissions from 2 submitters: Uncertain significance (2). Last evaluated 2023-10-28.

Conditions:
Hereditary breast ovarian cancer syndrome. Also called: Hereditary breast and ovarian cancer syndrome; Hereditary breast and ovarian cancer; Hereditary breast and ovarian cancer syndrome (HBOC); Hereditary breast and/or ovarian cancer syndrome; Breast and ovarian cancer; BRCA1- and BRCA2-Associated Hereditary Breast and Ovarian Cancer. Identifiers: Orphanet 145, MedGen C0677776, MeSH D061325, MONDO:0003582. Disease mechanism: loss of function.

Submissions (2):

Labcorp Genetics (formerly Invitae), Labcorp
Classification: Uncertain significance for Hereditary breast ovarian cancer syndrome. Last evaluated: 2023-10-28. Review status: criteria provided, single submitter. Criteria: Invitae Variant Classification Sherloc (09022015). Collection method: clinical testing. Allele origin: germline.
Comment: This sequence change replaces serine, which is neutral and polar, with proline, which is neutral and non-polar, at codon 3080 of the BRCA2 protein (p.Ser3080Pro). This variant is not present in population databases (gnomAD no frequency). This variant has not been reported in the literature in individuals affected with BRCA2-related conditions. Advanced modeling of protein sequence and biophysical properties (such as structural, functional, and spatial information, amino acid conservation, physicochemical variation, residue mobility, and thermodynamic stability) performed at Invitae indicates that this missense variant is not expected to disrupt BRCA2 protein function with a negative predictive value of 95%. In summary, the available evidence is currently insufficient to determine the role of this variant in disease. Therefore, it has been classified as a Variant of Uncertain Significance.

Blueprint Genetics
Classification: Uncertain significance. Last evaluated: 2023-04-13. Review status: criteria provided, single submitter. Criteria: ACMG Guidelines, 2015. Collection method: clinical testing. Allele origin: germline.